The following is an entry in ClinVar:

NM_004958.4(MTOR):c.1015C>T (p.His339Tyr)

Gene: MTOR (mechanistic target of rapamycin kinase; minus strand). Cytogenetic location: 1p36.22.
Variant type: single nucleotide variant.
Coding change: c.1015C>T on transcript NM_004958.4 (MANE Select); coding-DNA position 1015, C replaced by T.
Protein change: p.His339Tyr; replaces histidine 339 with tyrosine.
Molecular consequence: missense variant. On other transcripts: 5 prime UTR variant (1).
Genome position (GRCh38, 1-based): chr1:11,247,920, G>A on the plus strand (C>T on the coding strand, the complement: MTOR is on the minus strand). VCF-style: chr1-11247920-G-A. GRCh37 (hg19) VCF-style: chr1-11307977-G-A.
Other names: c.1015C>T, p.His339Tyr (NM_001386500.1); c.-125C>T (NM_001386501.1); short protein forms H339Y.
Identifiers: ClinVar variation 1920308 (VCV001920308.5), dbSNP rs763747029, ClinGen allele CA590827.

ClinVar aggregate classification (germline): Uncertain significance (1 of 4 stars; one submission).

Allele frequency attached by ClinVar (database versions not stated): gnomAD exomes below 0.00001; ExAC 0.00001.
gnomAD v4.1: 2 of 1,614,204 alleles (0.00012%); highest among the groups gnomAD compares: South Asian, 0.0011%; no homozygotes.

Submission:

Labcorp Genetics (formerly Invitae), Labcorp
Classification: Uncertain significance. Last evaluated: 2022-05-20. Review status: criteria provided, single submitter. Criteria: Invitae Variant Classification Sherloc (09022015). Collection method: clinical testing. Allele origin: germline.
Comment: This sequence change replaces histidine, which is basic and polar, with tyrosine, which is neutral and polar, at codon 339 of the MTOR protein (p.His339Tyr). This variant is present in population databases (rs763747029, gnomAD 0.003%). This variant has not been reported in the literature in individuals affected with MTOR-related conditions. Advanced modeling of protein sequence and biophysical properties (such as structural, functional, and spatial information, amino acid conservation, physicochemical variation, residue mobility, and thermodynamic stability) performed at Invitae indicates that this missense variant is not expected to disrupt MTOR protein function. In summary, the available evidence is currently insufficient to determine the role of this variant in disease. Therefore, it has been classified as a Variant of Uncertain Significance.